The following is an entry in ClinVar:

NM_002109.6(HARS1):c.1194+1G>A

Gene: HARS1 (histidyl-tRNA synthetase 1; minus strand). Cytogenetic location: 5q31.3.
Variant type: single nucleotide variant.
Coding change: c.1194+1G>A on transcript NM_002109.6 (MANE Select); the canonical splice donor site of the intron after coding-DNA position 1194, G replaced by A.
Molecular consequence: splice donor variant.
Genome position (GRCh38, 1-based): chr5:140,676,653, C>T on the plus strand (G>A on the coding strand, the complement: HARS1 is on the minus strand). VCF-style: chr5-140676653-C-T. GRCh37 (hg19) VCF-style: chr5-140056238-C-T.
Other names: c.1107+1G>A (NM_001289094.2); c.852+1G>A (NM_001289093.2); c.1014+1G>A (NM_001258042.3); c.1074+1G>A (NM_001258040.3); c.972+1G>A (NM_001289092.2); c.1134+1G>A (NM_001258041.3).
Identifiers: ClinVar variation 4704234 (VCV004704234.1).

ClinVar aggregate classification (germline): Uncertain significance (1 of 4 stars; one submission).

Conditions:
Usher syndrome type 3B. Also called: USHER SYNDROME, TYPE IIIB. Identifiers: MedGen C3281066, MONDO:0013788, OMIM 614504.

gnomAD v4.1: 7 of 1,613,996 alleles (0.00043%); highest among the groups gnomAD compares: Non-Finnish European, 0.00059%; no homozygotes.

Submission:

Labcorp Genetics (formerly Invitae), Labcorp
Classification: Uncertain significance for Usher syndrome type 3B. Last evaluated: 2025-05-30. Review status: criteria provided, single submitter. Criteria: Invitae Variant Classification Sherloc (09022015). Collection method: clinical testing. Allele origin: germline.
Comment: This sequence change affects a donor splice site in intron 10 of the HARS gene. It is expected to disrupt RNA splicing. Variants that disrupt the donor or acceptor splice site typically lead to a loss of protein function (PMID: 16199547), however the current clinical and genetic evidence is not sufficient to establish whether loss-of-function variants in HARS cause disease. This variant is not present in population databases (gnomAD no frequency). This variant has not been reported in the literature in individuals affected with HARS-related conditions. Algorithms developed to predict the effect of sequence changes on RNA splicing suggest that this variant may disrupt the consensus splice site. In summary, the available evidence is currently insufficient to determine the role of this variant in disease. Therefore, it has been classified as a Variant of Uncertain Significance.

Literature cited by the submitters: PubMed 16199547.